The following is an entry in ClinVar:

NM_001939.3(DRP2):c.632T>C (p.Leu211Pro)

Gene: DRP2 (dystrophin related protein 2; plus strand). Cytogenetic location: Xq22.1.
Variant type: single nucleotide variant.
Coding change: c.632T>C on transcript NM_001939.3 (MANE Select); coding-DNA position 632, T replaced by C.
Protein change: p.Leu211Pro; replaces leucine 211 with proline.
Molecular consequence: missense variant.
Genome position (GRCh38, 1-based): chrX:101,241,740, T>C. VCF-style: chrX-101241740-T-C. GRCh37 (hg19) VCF-style: chrX-100496729-T-C.
Other names: c.398T>C, p.Leu133Pro (NM_001171184.2); short protein forms L211P, L133P.
Identifiers: ClinVar variation 1961345 (VCV001961345.5), dbSNP rs2523069151, ClinGen allele CA413917059.
Genomic context (GRCh38, chrX:101,241,740, plus strand): 5'-AACAGCGGATCCAGAATCTCAGCCGCTTTGTATGGAAGCAGGCGACGGTGGCCAGTGAAC[T>C]GTGGGAGAAGTTGACAGCCCGCTGTGTGGACCAGCACCGTCACATTGAGCGGACTCTGGA-3'
Protein context (NP_001930.2, residues 201-221): VWKQATVASE[Leu211Pro]WEKLTARCVD

ClinVar aggregate classification (germline): Uncertain significance (1 of 4 stars; one submission).

Submission:

Labcorp Genetics (formerly Invitae), Labcorp
Classification: Uncertain significance. Last evaluated: 2022-02-02. Review status: criteria provided, single submitter. Criteria: Invitae Variant Classification Sherloc (09022015). Collection method: clinical testing. Allele origin: germline.
Comment: In summary, the available evidence is currently insufficient to determine the role of this variant in disease. Therefore, it has been classified as a Variant of Uncertain Significance. Algorithms developed to predict the effect of missense changes on protein structure and function (SIFT, PolyPhen-2, Align-GVGD) all suggest that this variant is likely to be disruptive. This variant has not been reported in the literature in individuals affected with DRP2-related conditions. This variant is not present in population databases (gnomAD no frequency). This sequence change replaces leucine, which is neutral and non-polar, with proline, which is neutral and non-polar, at codon 211 of the DRP2 protein (p.Leu211Pro).